The following is an entry in ClinVar:

NM_020975.6(RET):c.654G>A (p.Pro218=)

Gene: RET (ret proto-oncogene; plus strand). Cytogenetic location: 10q11.21.
Variant type: single nucleotide variant.
Coding change: c.654G>A on transcript NM_020975.6 (MANE Select); coding-DNA position 654, G replaced by A.
Protein change: p.Pro218=; no amino-acid change (proline 218 retained).
Molecular consequence: synonymous variant. On other transcripts: 5 prime UTR variant (1), intron variant (22).
Genome position (GRCh38, 1-based): chr10:43,104,980, G>A. VCF-style: chr10-43104980-G-A. GRCh37 (hg19) VCF-style: chr10-43600428-G-A.
Other names: c.654G>A, p.Pro218= (NM_000323.2, NM_001406743.1, NM_001406744.1 and 8 more transcripts); c.-109G>A (NM_001355216.2); c.525G>A, p.Pro175= (NM_001406761.1, NM_001406762.1, NM_001406764.1 and 2 more transcripts); c.366G>A, p.Pro122= (NM_001406766.1, NM_001406767.1, NM_001406770.1); c.625+2351G>A (NM_001406773.1, NM_001406771.1, NM_001406782.1 and 5 more transcripts); c.496+2351G>A (NM_001406786.1, NM_001406783.1); c.338-4051G>A (NM_001406778.1, NM_001406775.1, NM_001406776.1 and 1 more transcripts); c.337+4258G>A (NM_001406790.1, NM_001406788.1, NM_001406789.1 and 1 more transcripts); and 2 more.
Identifiers: ClinVar variation 220254 (VCV000220254.29), dbSNP rs137928436, ClinGen allele CA044443.

ClinVar aggregate classification (germline): Benign/Likely benign. Review status: criteria provided, multiple submitters, no conflicts (2 of 4 stars). 14 submissions from 11 submitters: Benign (6); Likely benign (8). Last evaluated 2026-01-28.

Conditions:
Multiple endocrine neoplasia. Identifiers: Orphanet 276161, MedGen C0027662, MONDO:0017169.
Hereditary cancer-predisposing syndrome. Also called: Tumor predisposition; Hereditary neoplastic syndrome; Neoplastic Syndromes, Hereditary; Hereditary Cancer Syndrome. Identifiers: Orphanet 140162, MedGen C0027672, MeSH D009386, MONDO:0015356.
Multiple endocrine neoplasia, type 2 (MEN2). Identifiers: Orphanet 653, MedGen C4048306, MONDO:0019003. Disease mechanism: gain of function.
Hirschsprung disease, susceptibility to, 1 (HSCR1). Also called: RET-Related Hirschsprung Disease. Identifiers: Orphanet 388, MedGen C3888239, MONDO:0007723, OMIM 142623.
Pheochromocytoma. Also called: MAX-Related Hereditary Paraganglioma-Pheochromocytoma Syndrome. Identifiers: Orphanet 29072, MedGen C0031511, MONDO:0008233, OMIM 171300, HP:0002666.
Renal hypodysplasia/aplasia 1 (RHDA1). Also called: HEREDITARY RENAL APLASIA; RENAL APLASIA. Identifiers: Orphanet 411709, MedGen C1619700, MONDO:0024519, OMIM 191830.

Allele frequency attached by ClinVar (database versions not stated): gnomAD exomes 0.00013 and 0.00028; 1000 Genomes Project 0.00040; 1000 Genomes Project 30x 0.00047; ExAC 0.00065; gnomAD 0.00121 and 0.00138; TOPMed 0.00149; ESP Exome Variant Server 0.00162.
gnomAD v4.1: 369 of 1,578,406 alleles (0.023%); highest among the groups gnomAD compares: African/African-American, 0.45%; 2 homozygotes.

Submissions (14):

Labcorp Genetics (formerly Invitae), Labcorp
Classification: Benign for Multiple endocrine neoplasia, type 2. Last evaluated: 2026-01-28. Review status: criteria provided, single submitter. Criteria: Invitae Variant Classification Sherloc (09022015). Collection method: clinical testing. Allele origin: germline.

Women's Health and Genetics/Laboratory Corporation of America, LabCorp
Classification: Benign. Last evaluated: 2024-05-11. Review status: criteria provided, single submitter. Criteria: LabCorp Variant Classification Summary - May 2015. Collection method: clinical testing. Allele origin: germline.

Blueprint Genetics
Classification: Likely benign. Last evaluated: 2023-03-21. Review status: criteria provided, single submitter. Criteria: ACMG Guidelines, 2015. Collection method: clinical testing. Allele origin: germline.

Color Diagnostics, LLC DBA Color Health
Classification: Likely benign for Multiple endocrine neoplasia, type 2. Last evaluated: 2022-11-06. Review status: criteria provided, single submitter. Criteria: ACMG Guidelines, 2015. Collection method: clinical testing. Allele origin: germline.

Genetic Services Laboratory, University of Chicago
Classification: Benign. Last evaluated: 2021-04-02. Review status: criteria provided, single submitter. Criteria: ACMG Guidelines, 2015. Collection method: clinical testing. Allele origin: germline. Affected: no.

Sema4
Classification: Likely benign for Hereditary cancer-predisposing syndrome. Last evaluated: 2021-02-17. Review status: criteria provided, single submitter. Criteria: Sema4 Curation Guidelines. Collection method: curation. Allele origin: germline.

Illumina Laboratory Services, Illumina
Classification: Benign for Pheochromocytoma. Last evaluated: 2018-01-12. Review status: criteria provided, single submitter. Criteria: ICSL Variant Classification Criteria 13 December 2019. Collection method: clinical testing. Allele origin: germline.
Comment: This variant was observed in the ICSL laboratory as part of a predisposition screen in an ostensibly healthy population. It had not been previously curated by ICSL or reported in the Human Gene Mutation Database (HGMD: prior to June 1st, 2018), and was therefore a candidate for classification through an automated scoring system. Utilizing variant allele frequency, disease prevalence and penetrance estimates, and inheritance mode, an automated score was calculated to assess if this variant is too frequent to cause the disease. Based on the score and internal cut-off values, a variant classified as benign is not then subjected to further curation. The score for this variant resulted in a classification of benign for this disease.

Illumina Laboratory Services, Illumina
Classification: Likely benign for Renal hypodysplasia/aplasia 1. Last evaluated: 2018-01-12. Review status: criteria provided, single submitter. Criteria: ICSL Variant Classification Criteria 13 December 2019. Collection method: clinical testing. Allele origin: germline.
Comment: This variant was observed in the ICSL laboratory as part of a predisposition screen in an ostensibly healthy population. It had not been previously curated by ICSL or reported in the Human Gene Mutation Database (HGMD: prior to June 1st, 2018), and was therefore a candidate for classification through an automated scoring system. Utilizing variant allele frequency, disease prevalence and penetrance estimates, and inheritance mode, an automated score was calculated to assess if this variant is too frequent to cause the disease. Based on the score and internal cut-off values, a variant classified as likely benign is not then subjected to further curation. The score for this variant resulted in a classification of likely benign for this disease.

Illumina Laboratory Services, Illumina
Classification: Benign for Multiple endocrine neoplasia. Last evaluated: 2018-01-12. Review status: criteria provided, single submitter. Criteria: ICSL Variant Classification Criteria 13 December 2019. Collection method: clinical testing. Allele origin: germline.
Comment: the same text as in the submission from Illumina Laboratory Services, Illumina above.

Illumina Laboratory Services, Illumina
Classification: Benign for Hirschsprung disease, susceptibility to, 1. Last evaluated: 2018-01-12. Review status: criteria provided, single submitter. Criteria: ICSL Variant Classification Criteria 13 December 2019. Collection method: clinical testing. Allele origin: germline.
Comment: the same text as in the submission from Illumina Laboratory Services, Illumina above.

GeneDx
Classification: Likely benign. Last evaluated: 2017-11-24. Review status: criteria provided, single submitter. Criteria: GeneDx Variant Classification (06012015). Collection method: clinical testing. Allele origin: germline. Affected: yes.
Comment: This variant is considered likely benign or benign based on one or more of the following criteria: it is a conservative change, it occurs at a poorly conserved position in the protein, it is predicted to be benign by multiple in silico algorithms, and/or has population frequency not consistent with disease.

PreventionGenetics, part of Exact Sciences
Classification: Likely benign. Last evaluated: 2017-08-31. Review status: criteria provided, single submitter. Criteria: ACMG Guidelines, 2015. Collection method: clinical testing. Allele origin: germline.

Eurofins Ntd Llc (ga)
Classification: Likely benign. Last evaluated: 2017-06-26. Review status: criteria provided, single submitter. Criteria: EGL Classification Definitions 2015. Collection method: clinical testing. Allele origin: germline. Observed: 1 variant allele, 1 heterozygote.

Ambry Genetics
Classification: Likely benign for Hereditary cancer-predisposing syndrome. Last evaluated: 2015-01-30. Review status: criteria provided, single submitter. Criteria: Ambry Variant Classification Scheme 2023. Collection method: clinical testing. Allele origin: germline.